The following is an entry in ClinVar:

ClinVar aggregate classification (germline): Uncertain significance (1 of 4 stars; one submission).

Conditions:
Hereditary cancer-predisposing syndrome. Also called: Hereditary Cancer Syndrome; Hereditary neoplastic syndrome; Neoplastic Syndromes, Hereditary; Tumor predisposition. Identifiers: Orphanet 140162, MedGen C0027672, MeSH D009386, MONDO:0015356.

Allele frequency attached by ClinVar (database versions not stated): TOPMed below 0.00001.

Submission:

Ambry Genetics
Classification: Uncertain significance for Hereditary cancer-predisposing syndrome. Last evaluated: 2021-07-21. Review status: criteria provided, single submitter. Criteria: Ambry Variant Classification Scheme 2023. Collection method: clinical testing. Allele origin: germline.
Comment: The p.D19Y variant (also known as c.55G>T), located in coding exon 1 of the MSH6 gene, results from a G to T substitution at nucleotide position 55. The aspartic acid at codon 19 is replaced by tyrosine, an amino acid with highly dissimilar properties. This amino acid position is poorly conserved in available vertebrate species. In addition, this alteration is predicted to be tolerated by in silico analysis. Since supporting evidence is limited at this time, the clinical significance of this alteration remains unclear.

NM_000179.3(MSH6):c.55G>T (p.Asp19Tyr)

Gene: MSH6 (mutS homolog 6; plus strand). Cytogenetic location: 2p16.3.
Variant type: single nucleotide variant.
Coding change: c.55G>T on transcript NM_000179.3 (MANE Select); coding-DNA position 55, G replaced by T.
Protein change: p.Asp19Tyr; replaces aspartic acid 19 with tyrosine.
Molecular consequence: missense variant. On other transcripts: 5 prime UTR variant (8), non-coding transcript variant (5), intron variant (5).
Genome position (GRCh38, 1-based): chr2:47,783,288, G>T. VCF-style: chr2-47783288-G-T. GRCh37 (hg19) VCF-style: chr2-48010427-G-T.
Other names: c.55G>T, p.Asp19Tyr (NM_001281492.2, NM_001406795.1, NM_001406796.1 and 9 more transcripts); c.-682G>T (NM_001281493.2, NM_001406811.1); c.-274G>T (NM_001406799.1); c.-1G>T (NM_001406804.1); c.-874G>T (NM_001406807.1); c.-529G>T (NM_001406812.1); c.-940G>T (NM_001406814.1); c.-485G>T (NM_001406816.1); and 3 more; short protein forms D19Y.
Identifiers: ClinVar variation 1748568 (VCV001748568.2), dbSNP rs1668113424, ClinGen allele CA346734556.